The following is an entry in ClinVar:

ClinVar aggregate classification (germline): Uncertain significance (1 of 4 stars; one submission).

Submission:

GeneDx
Classification: Uncertain significance. Last evaluated: 2022-12-08. Review status: criteria provided, single submitter. Criteria: GeneDx Variant Classification Process June 2021. Collection method: clinical testing. Allele origin: germline. Affected: yes.
Comment: Not observed at significant frequency in large population cohorts (gnomAD); In silico analysis supports that this missense variant does not alter protein structure/function; Has not been previously published as pathogenic or benign to our knowledge

NM_007192.4(SUPT16H):c.602G>A (p.Arg201Lys)

Gene: SUPT16H (SPT16 homolog, facilitates chromatin remodeling subunit; minus strand). Cytogenetic location: 14q11.2.
Variant type: single nucleotide variant.
Coding change: c.602G>A on transcript NM_007192.4 (MANE Select); coding-DNA position 602, G replaced by A.
Protein change: p.Arg201Lys; replaces arginine 201 with lysine.
Molecular consequence: missense variant.
Genome position (GRCh38, 1-based): chr14:21,369,778, C>T on the plus strand (G>A on the coding strand, the complement: SUPT16H is on the minus strand). VCF-style: chr14-21369778-C-T. GRCh37 (hg19) VCF-style: chr14-21837937-C-T.
Other names: short protein forms R201K.
Identifiers: ClinVar variation 2504853 (VCV002504853.1), dbSNP rs2501776724, ClinGen allele CA388871096.